The following is an entry in ClinVar:

ClinVar aggregate classification (germline): Conflicting classifications of pathogenicity. Review status: criteria provided, conflicting classifications (1 of 4 stars). 2 submissions from 2 submitters: Likely pathogenic (1); Uncertain significance (1). Last evaluated 2025-08-29.

Conditions:
NF1-related disorder. Also called: NF1-related condition. Identifiers: MedGen CN379171.
Neurofibromatosis, type 1 (NF1). Also called: Neurofibromatosis, type I; Peripheral type neurofibromatosis; VON RECKLINGHAUSEN DISEASE; NEUROFIBROMATOSIS, TYPE I, SOMATIC. Identifiers: Orphanet 636, MedGen C0027831, MONDO:0018975, OMIM 162200. Disease mechanism: loss of function.

Allele frequency attached by ClinVar (database versions not stated): ExAC 0.00002.

Submissions (2):

Labcorp Genetics (formerly Invitae), Labcorp
Classification: Uncertain significance for Neurofibromatosis, type 1. Last evaluated: 2025-08-29. Review status: criteria provided, single submitter. Criteria: Invitae Variant Classification Sherloc (09022015). Collection method: clinical testing. Allele origin: germline.
Comment: This sequence change falls in intron 7 of the NF1 gene. It does not directly change the encoded amino acid sequence of the NF1 protein. It affects a nucleotide within the consensus splice site. The frequency data for this variant in the population databases is considered unreliable, as metrics indicate poor data quality at this position in the gnomAD database. This variant has been observed in individual(s) with neurofibromatosis, type 1 (PMID: 36612057). ClinVar contains an entry for this variant (Variation ID: 1003818). Variants that disrupt the consensus splice site are a relatively common cause of aberrant splicing (PMID: 17576681, 9536098). Algorithms developed to predict the effect of sequence changes on RNA splicing suggest that this variant may disrupt the consensus splice site. In summary, the available evidence is currently insufficient to determine the role of this variant in disease. Therefore, it has been classified as a Variant of Uncertain Significance.

Blueprint Genetics
Classification: Likely pathogenic for NF1-related disorders. Last evaluated: 2020-03-10. Review status: criteria provided, single submitter. Criteria: ACMG Guidelines, 2015. Collection method: clinical testing. Allele origin: germline. Affected: yes. Observed: 1 variant allele.

Literature cited by the submitters: PubMed 36612057 (cited by Labcorp Genetics (formerly Invitae), Labcorp); PubMed 17576681 (cited by Labcorp Genetics (formerly Invitae), Labcorp); PubMed 9536098 (cited by Labcorp Genetics (formerly Invitae), Labcorp).

NM_001042492.3(NF1):c.730+4A>G

Gene: NF1 (neurofibromin 1; plus strand). Cytogenetic location: 17q11.2.
Variant type: single nucleotide variant.
Coding change: c.730+4A>G on transcript NM_001042492.3 (MANE Select); 4 bases into the intron after coding-DNA position 730, A replaced by G.
Molecular consequence: intron variant.
Genome position (GRCh38, 1-based): chr17:31,181,789, A>G. VCF-style: chr17-31181789-A-G. GRCh37 (hg19) VCF-style: chr17-29508807-A-G.
Other names: c.730+4A>G (NM_000267.4, NM_001128147.3).
Identifiers: ClinVar variation 1003818 (VCV001003818.6), dbSNP rs767510113, ClinGen allele CA8485610.
Genomic context (GRCh38, chr17:31,181,789, plus strand): 5'-AAAATTATCCAGATGAATTTACAAAACTGTACCAGATCCCACAGACTGATATGGCTGGTA[A>G]GGATACGATTGATTTTTTTTTTTTTTTTGTCTTTTAAATGCCTACTTGTGACATAAAAAC-3'